The following is an entry in ClinVar:

ClinVar aggregate classification (germline): Pathogenic/Likely pathogenic. Review status: criteria provided, multiple submitters, no conflicts (2 of 4 stars). 2 submissions from 2 submitters: Pathogenic (1); Likely pathogenic (1). Last evaluated 2025-06-11.

Conditions:
COL1A1-related disorder. Also called: COL1A1- related disease; COL1A1-related condition.

Submissions (2):

PreventionGenetics, part of Exact Sciences
Classification: Likely pathogenic for COL1A1-related condition. Last evaluated: 2025-06-11. Review status: criteria provided, single submitter. Criteria: ACMG Guidelines, 2015. Collection method: clinical testing. Allele origin: germline.
Comment: The COL1A1 c.104-2A>T variant is predicted to disrupt the AG splice acceptor site and interfere with normal splicing. To our knowledge, this variant has not been reported in the literature or in a large population database (gnomAD), indicating this variant is rare. Similar variants (see examples: c.104-2A>G; c.104-3C>G) have been reported in individuals with osteogenesis imperfecta (Balasubramanian et al. 2019. PubMed ID: 30684648; Hartikka et al. 2004. PubMed ID: 15241796). Variants that disrupt the consensus splice acceptor site in COL1A1 are expected to be pathogenic. This variant is interpreted as likely pathogenic.

GeneDx
Classification: Pathogenic. Last evaluated: 2020-01-07. Review status: criteria provided, single submitter. Criteria: GeneDx Variant Classification Process June 2021. Collection method: clinical testing. Allele origin: germline. Affected: yes.
Comment: Canonical splice site variant in a gene for which loss-of-function is a known mechanism of disease; Not observed in large population cohorts (Lek et al., 2016); Has not been previously published as pathogenic or benign to our knowledge

NM_000088.4(COL1A1):c.104-2A>T

Gene: COL1A1 (collagen type I alpha 1 chain; minus strand). Cytogenetic location: 17q21.33.
Variant type: single nucleotide variant.
Coding change: c.104-2A>T on transcript NM_000088.4 (MANE Select); the canonical splice acceptor site of the intron before coding-DNA position 104, A replaced by T.
Molecular consequence: splice acceptor variant.
Genome position (GRCh38, 1-based): chr17:50,199,949, T>A on the plus strand (A>T on the coding strand, the complement: COL1A1 is on the minus strand). VCF-style: chr17-50199949-T-A. GRCh37 (hg19) VCF-style: chr17-48277310-T-A.
Other names: c.104-2A>T (NM_000088.3).
Identifiers: ClinVar variation 1210884 (VCV001210884.4), dbSNP rs2144594870, ClinGen allele CA400228732.
Genomic context (GRCh38, chr17:50,199,949, plus strand): 5'-TTTCCACACGTCTCGGTCATGGTACCTGAGGCCGTTCTGTACGCAGGTGATTGGTGGGAC[T>A]GGGACAGGCGGAAGAGGGGCGTTGTCAGTAGTGACTGCAACCCCCAGCTTAACCACCTTT-3'